The following is an entry in ClinVar:

NM_001252275.3(UGT2A1):c.576T>A (p.Tyr192Ter)

Gene: UGT2A1 (UDP glucuronosyltransferase family 2 member A1 complex locus; minus strand). Cytogenetic location: 4q13.3.
Variant type: single nucleotide variant.
Coding change: c.576T>A on transcript NM_001252275.3 (MANE Select); coding-DNA position 576, T replaced by A.
Protein change: p.Tyr192Ter; replaces tyrosine 192 with a stop codon.
Molecular consequence: nonsense.
Genome position (GRCh38, 1-based): chr4:69,647,069, A>T on the plus strand (T>A on the coding strand, the complement: UGT2A1 is on the minus strand). VCF-style: chr4-69647069-A-T. GRCh37 (hg19) VCF-style: chr4-70512787-A-T.
Other names: c.576T>A, p.Tyr192Ter (NM_001252274.3, NM_001301239.2, NM_001389565.1 and 1 more transcripts); short protein forms Y192*.
Identifiers: ClinVar variation 403582 (VCV000403582.5), dbSNP rs111696697, ClinGen allele CA2947173.

ClinVar aggregate classification (germline): Likely benign. Review status: criteria provided, multiple submitters, no conflicts (2 of 4 stars). 2 submissions from 2 submitters: Likely benign (2). Last evaluated 2016-03-28.

Allele frequency attached by ClinVar (database versions not stated): 1000 Genomes Project 30x 0.01390; 1000 Genomes Project 0.01458; TOPMed 0.02877; ESP Exome Variant Server 0.03038; ExAC 0.03285.
gnomAD v4.1: 57,821 of 1,612,932 alleles (3.6%); highest among the groups gnomAD compares: Middle Eastern, 4.6%; 1,241 homozygotes.

Submissions (2):

Laboratory for Molecular Medicine, Mass General Brigham Personalized Medicine
Classification: Likely benign. Last evaluated: 2016-03-28. Review status: criteria provided, single submitter. Criteria: LMM Criteria. Collection method: clinical testing. Allele origin: germline.
Comment: Variant identified in a genome or exome case(s) and assessed due to predicted null impact of the variant or pathogenic assertions in the literature or databases. Disclaimer: This variant has not undergone full assessment. The following are preliminary notes: ExAC frequency. Insufficient evidence for gene-disease association.

Breakthrough Genomics
Classification: Likely benign. Review status: criteria provided, single submitter. Criteria: ACMG Guidelines, 2015. Collection method: not provided. Allele origin: germline. Inheritance: Unknown mechanism. Affected: yes.